The following is an entry in ClinVar:

NM_007294.4(BRCA1):c.2433dup (p.Lys812fs)

Gene: BRCA1 (BRCA1 DNA repair associated; minus strand). Cytogenetic location: 17q21.31.
Variant type: Duplication.
Coding change: c.2433dup on transcript NM_007294.4 (MANE Select); coding-DNA position 2433, one base duplicated (C; older notation c.2433dupC).
Protein change: p.Lys812fs; shifts the reading frame from lysine 812.
Molecular consequence: frameshift variant. On other transcripts: intron variant (137).
Genome position (GRCh38, 1-based): chr17:43,093,098, G duplicated on the plus strand (C on the coding strand, the reverse complement: BRCA1 is on the minus strand); the first of 4 consecutive G bases (chr17:43,093,098-43,093,101); duplicating any one gives the same sequence. VCF-style (leftmost placement, unchanged base first): chr17-43093097-T-TG. GRCh37 (hg19) VCF-style: chr17-41245114-T-TG.
Other names: c.2433dupC (NM_007294.3); c.2220dup, p.Lys741fs (NM_001407571.1, NM_001407853.1, NM_001407894.1 and 9 more transcripts); c.2433dup, p.Lys812fs (NM_001407581.1, NM_001407582.1, NM_001407583.1 and 30 more transcripts); c.2430dup, p.Lys811fs (NM_001407587.1, NM_001407590.1, NM_001407591.1 and 22 more transcripts); c.2355dup, p.Lys786fs (NM_001407657.1, NM_001407658.1, NM_001407663.1 and 4 more transcripts); c.2352dup, p.Lys785fs (NM_001407659.1, NM_001407660.1, NM_001407661.1 and 1 more transcripts); c.2310dup, p.Lys771fs (NM_001407664.1, NM_001407675.1, NM_001407676.1 and 19 more transcripts); c.2292dup, p.Lys765fs (NM_001407694.1, NM_001407695.1, NM_001407696.1 and 29 more transcripts); and 42 more; short protein forms K765fs, K812fs, K811fs, K644fs, K701fs, K724fs, K764fs, K685fs.
Identifiers: ClinVar variation 230060 (VCV000230060.7), dbSNP rs80357524, ClinGen allele CA10580615.
Genomic context (GRCh38, chr17:43,093,097, plus strand): 5'-GATACTTAAAGCCTTCTGTGTCATTTCTATTATCTTTGGAACAACCATGAATTAGTCCCT[T>TG]GGGGTTTTCAAATGCTGCACACTGACTCACACATTTATTTGGTTCTGTTTTTGCCTTCCC-3'

ClinVar aggregate classification (germline): Pathogenic. Review status: reviewed by expert panel (3 of 4 stars). 2 submissions from 2 submitters: Pathogenic (1). 1 of the submissions does not count toward it. Last evaluated 2017-12-15.

Conditions:
Hereditary cancer-predisposing syndrome. Also called: Tumor predisposition; Neoplastic Syndromes, Hereditary; Hereditary Cancer Syndrome; Hereditary neoplastic syndrome. Identifiers: Orphanet 140162, MedGen C0027672, MeSH D009386, MONDO:0015356.
Breast-ovarian cancer, familial, susceptibility to, 1 (BROVCA1). Also called: BRCA1 Hereditary Breast and Ovarian Cancer; OVARIAN CANCER, SUSCEPTIBILITY TO. Identifiers: Orphanet 145, MedGen C2676676, MONDO:0011450, OMIM 604370. Disease mechanism: loss of function.

Submissions (2):

Evidence-based Network for the Interpretation of Germline Mutant Alleles (ENIGMA)
Classification: Pathogenic for Breast-ovarian cancer, familial, susceptibility to, 1. Last evaluated: 2017-12-15. Review status: reviewed by expert panel. Criteria: ENIGMA BRCA1/2 Classification Criteria (2017-06-29). Collection method: curation. Allele origin: germline. Study: ENIGMA.
Comment: Variant allele predicted to encode a truncated non-functional protein.

Ambry Genetics
Classification: Pathogenic for Hereditary cancer-predisposing syndrome. Last evaluated: 2026-06-18. Review status: criteria provided, single submitter. Criteria: Ambry Variant Classification Scheme 2023. Collection method: clinical testing. Allele origin: germline. Not counted in ClinVar's aggregate classification.
Comment: The c.2433dupC pathogenic mutation, located in coding exon 9 of the BRCA1 gene, results from a duplication of C at nucleotide position 2433, causing a translational frameshift with a predicted alternate stop codon (p.P811Pfs*12). This variant is considered to be rare based on population cohorts in the Genome Aggregation Database (gnomAD). This variant is expected to result in loss of function by premature protein truncation or nonsense-mediated mRNA decay. As such, this variant is interpreted as a disease-causing mutation.